The following is an entry in ClinVar:

NM_002948.5(RPL15):c.122G>T (p.Arg41Leu)

Genes: NKIRAS1 (NFKB inhibitor interacting Ras like 1; minus strand), RPL15 (ribosomal protein L15; plus strand). Cytogenetic location: 3p24.2.
Variant type: single nucleotide variant.
Coding change: c.122G>T on transcript NM_002948.5 (MANE Select); coding-DNA position 122, G replaced by T.
Protein change: p.Arg41Leu; replaces arginine 41 with leucine.
Molecular consequence: missense variant. On other transcripts: intron variant (1).
Genome position (GRCh38, 1-based): chr3:23,917,981, G>T. VCF-style: chr3-23917981-G-T. GRCh37 (hg19) VCF-style: chr3-23959472-G-T.
Other names: c.122G>T, p.Arg41Leu (NM_001253379.2, NM_001253380.2, NM_001253382.2 and 2 more transcripts); c.-139-6531C>A (NM_001377380.1); short protein forms R41L.
Identifiers: ClinVar variation 2787257 (VCV002787257.3), dbSNP rs1208689790, ClinGen allele CA351881422.

ClinVar aggregate classification (germline): Uncertain significance (1 of 4 stars; one submission).

Submission:

Labcorp Genetics (formerly Invitae), Labcorp
Classification: Uncertain significance. Last evaluated: 2022-12-10. Review status: criteria provided, single submitter. Criteria: Invitae Variant Classification Sherloc (09022015). Collection method: clinical testing. Allele origin: germline.
Comment: This variant has not been reported in the literature in individuals affected with RPL15-related conditions. This variant is not present in population databases (gnomAD no frequency). This sequence change replaces arginine, which is basic and polar, with leucine, which is neutral and non-polar, at codon 41 of the RPL15 protein (p.Arg41Leu). In summary, the available evidence is currently insufficient to determine the role of this variant in disease. Therefore, it has been classified as a Variant of Uncertain Significance. Algorithms developed to predict the effect of missense changes on protein structure and function are either unavailable or do not agree on the potential impact of this missense change (SIFT: "Deleterious"; PolyPhen-2: "Benign"; Align-GVGD: "Class C65").